The following is an entry in ClinVar:

ClinVar aggregate classification (germline): Pathogenic (3 of 4 stars; one submission).

Conditions:
Phenylketonuria (PKU). Also called: FOLLING DISEASE; Phenylketonuria (PKU); OLIGOPHRENIA PHENYLPYRUVICA; Phenylketonurias. Identifiers: Orphanet 716, MedGen C0031485, MONDO:0009861, OMIM 261600. Disease mechanism: loss of function.

Submission:

ClinGen PAH Variant Curation Expert Panel
Classification: Pathogenic for Phenylketonuria. Last evaluated: 2019-07-14. Review status: reviewed by expert panel. Criteria: ClinGen PAH ACMG Specifications v1. Collection method: curation. Allele origin: germline. Inheritance: Autosomal recessive inheritance.
Comment: The c.902A>C (p.Gln301Pro) variant in PAH has been reported in at least 1 individual with hyperphenylalaninemia, who carried a second pathogenic variant (p.Leu48Ser) (BH4 deficiency ruled out, parental analysis not performed) (PMID: 19292873, 25757997) . The p.Gln301Pro variant is absent in gnomAD and the ESP population databases. A deleterious effect is predicted in SIFT, Polyphen-2, MutationTaster, and REVEL=0.987. In addition the p.Gln301Pro causes a significant reduction of enzyme activity and expression when tested in vitro (PMID: 19292873). In summary, this variant meets the criteria to be classified as pathogenic for PAH. PAH-specific ACMG/AMP criteria applied: PP3, PM2, PM3_supporting, PS3, PP4_moderate.

Literature cited by the submitters: PubMed 19292873; PubMed 25757997.

NM_000277.3(PAH):c.902A>C (p.Gln301Pro)

Genes: PAH (phenylalanine hydroxylase; minus strand), LOC126861615 (CDK7 strongly-dependent group 2 enhancer GRCh37_chr12:103244689-103245888; plus strand). Cytogenetic location: 12q23.2.
Variant type: single nucleotide variant.
Coding change: c.902A>C on transcript NM_000277.3 (MANE Select); coding-DNA position 902, A replaced by C.
Protein change: p.Gln301Pro; replaces glutamine 301 with proline.
Molecular consequence: missense variant.
Genome position (GRCh38, 1-based): chr12:102,851,697, T>G on the plus strand (A>C on the coding strand, the complement: PAH is on the minus strand). VCF-style: chr12-102851697-T-G. GRCh37 (hg19) VCF-style: chr12-103245475-T-G.
Other names: c.902A>C, p.Gln301Pro (NM_001354304.2); short protein forms Q301P.
Identifiers: ClinVar variation 805825 (VCV000805825.1), dbSNP rs1592952183, ClinGen allele CA16020889.